The following is an entry in ClinVar:

NM_001374828.1(ARID1B):c.612_620dup (p.Gln214_His215insGlnGlnGln)

Genes: ARID1B (AT-rich interaction domain 1B; plus strand), LOC115308161 (uncharacterized LOC115308161; minus strand). Cytogenetic location: 6q25.3.
Variant type: Duplication.
Coding change: c.612_620dup on transcript NM_001374828.1 (MANE Select); coding-DNA positions 612 to 620, 9 bases duplicated (ACAGCAGCA; older notation c.612_620dupACAGCAGCA).
Protein change: p.Gln214_His215insGlnGlnGln.
Molecular consequence: inframe insertion. On other transcripts: non-coding transcript variant (1).
Genome position (GRCh38, 1-based): chr6:156,778,292-156,778,300, ACAGCAGCA duplicated; duplicating any 9 consecutive bases within chr6:156,778,284-156,778,300 gives the same sequence; the c. name uses the placement nearest the transcript's 3' end. VCF-style (leftmost placement, unchanged base first): chr6-156778283-G-GCAGCAGCAA. GRCh37 (hg19) VCF-style: chr6-157099417-G-GCAGCAGCAA.
Other names: c.363_371dup (NM_020732.3); c.612_620dup, p.Gln214_His215insGlnGlnGln (NM_001371656.1, NM_001374820.1, NM_017519.3).
Identifiers: ClinVar variation 975339 (VCV000975339.6), dbSNP rs797045274, ClinGen allele CA571907141.

ClinVar aggregate classification (germline): Uncertain significance. Review status: criteria provided, single submitter (1 of 4 stars). 2 submissions from 2 submitters: Uncertain significance (1). 1 of the submissions does not count toward it. Last evaluated 2024-05-22.

Conditions:
Intellectual disability. Also called: intellectual disabilities; Intellectual developmental disorder; Intellectual functioning disability. Identifiers: MedGen C3714756, MeSH D008607, MONDO:0001071, HP:0001249.

Submissions (2):

Labcorp Genetics (formerly Invitae), Labcorp
Classification: Uncertain significance. Last evaluated: 2024-05-22. Review status: criteria provided, single submitter. Criteria: Invitae Variant Classification Sherloc (09022015). Collection method: clinical testing. Allele origin: germline.
Comment: This variant, c.363_371dup, results in the insertion of 3 amino acid(s) of the ARID1B protein (p.Gln129_Gln131dup), but otherwise preserves the integrity of the reading frame. The frequency data for this variant in the population databases is considered unreliable, as metrics indicate poor data quality at this position in the gnomAD database. This variant has not been reported in the literature in individuals affected with ARID1B-related conditions. ClinVar contains an entry for this variant (Variation ID: 975339). In summary, the available evidence is currently insufficient to determine the role of this variant in disease. Therefore, it has been classified as a Variant of Uncertain Significance.

Centre de Biologie Pathologie Génétique, Centre Hospitalier Universitaire de Lille
Classification: Likely benign for Intellectual disability. Last evaluated: 2019-01-01. Review status: no assertion criteria provided. Collection method: clinical testing. Allele origin: inherited. Affected: yes. Not counted in ClinVar's aggregate classification.